The following is an entry in ClinVar:

NM_206933.4(USH2A):c.2888G>T (p.Cys963Phe)

Genes: USH2A (usherin; minus strand), USH2A-AS1 (USH2A antisense RNA 1; plus strand). Cytogenetic location: 1q41.
Variant type: single nucleotide variant.
Coding change: c.2888G>T on transcript NM_206933.4 (MANE Select); coding-DNA position 2888, G replaced by T.
Protein change: p.Cys963Phe; replaces cysteine 963 with phenylalanine.
Molecular consequence: missense variant.
Genome position (GRCh38, 1-based): chr1:216,232,058, C>A on the plus strand (G>T on the coding strand, the complement: USH2A is on the minus strand). VCF-style: chr1-216232058-C-A. GRCh37 (hg19) VCF-style: chr1-216405400-C-A.
Other names: c.2888G>T, p.Cys963Phe (NM_007123.6); short protein forms C963F.
Identifiers: ClinVar variation 1980795 (VCV001980795.4), dbSNP rs746196862, ClinGen allele CA1396133.

ClinVar aggregate classification (germline): Uncertain significance (1 of 4 stars; one submission).

Allele frequency attached by ClinVar (database versions not stated): TOPMed 0.00001.
gnomAD v4.1: 4 of 1,613,952 alleles (0.00025%); highest among the groups gnomAD compares: African/African-American, 0.0053%; no homozygotes.

Submission:

Labcorp Genetics (formerly Invitae), Labcorp
Classification: Uncertain significance. Last evaluated: 2022-05-17. Review status: criteria provided, single submitter. Criteria: Invitae Variant Classification Sherloc (09022015). Collection method: clinical testing. Allele origin: germline.
Comment: In summary, the available evidence is currently insufficient to determine the role of this variant in disease. Therefore, it has been classified as a Variant of Uncertain Significance. Algorithms developed to predict the effect of missense changes on protein structure and function (SIFT, PolyPhen-2, Align-GVGD) all suggest that this variant is likely to be disruptive. This variant has not been reported in the literature in individuals affected with USH2A-related conditions. The frequency data for this variant in the population databases is considered unreliable, as metrics indicate poor data quality at this position in the gnomAD database. This sequence change replaces cysteine, which is neutral and slightly polar, with phenylalanine, which is neutral and non-polar, at codon 963 of the USH2A protein (p.Cys963Phe).